The following is an entry in ClinVar:

NM_133497.4(KCNV2):c.641T>C (p.Leu214Pro)

Gene: KCNV2 (potassium voltage-gated channel modifier subfamily V member 2; plus strand). Cytogenetic location: 9p24.2.
Variant type: single nucleotide variant.
Coding change: c.641T>C on transcript NM_133497.4 (MANE Select); coding-DNA position 641, T replaced by C.
Protein change: p.Leu214Pro; replaces leucine 214 with proline.
Molecular consequence: missense variant.
Genome position (GRCh38, 1-based): chr9:2,718,380, T>C. VCF-style: chr9-2718380-T-C. GRCh37 (hg19) VCF-style: chr9-2718380-T-C.
Other names: short protein forms L214P.
Identifiers: ClinVar variation 2073315 (VCV002073315.4), dbSNP rs775959822, ClinGen allele CA4965551.

ClinVar aggregate classification (germline): Uncertain significance (1 of 4 stars; one submission).

Allele frequency attached by ClinVar (database versions not stated): gnomAD exomes below 0.00001; ExAC 0.00001; gnomAD 0.00001.
gnomAD v4.1: 6 of 1,600,804 alleles (0.00037%); highest among the groups gnomAD compares: South Asian, 0.0011%; no homozygotes.

Submission:

Labcorp Genetics (formerly Invitae), Labcorp
Classification: Uncertain significance. Last evaluated: 2025-09-02. Review status: criteria provided, single submitter. Criteria: Invitae Variant Classification Sherloc (09022015). Collection method: clinical testing. Allele origin: germline.
Comment: This sequence change replaces leucine, which is neutral and non-polar, with proline, which is neutral and non-polar, at codon 214 of the KCNV2 protein (p.Leu214Pro). The frequency data for this variant in the population databases is considered unreliable, as metrics indicate poor data quality at this position in the gnomAD database. This variant has not been reported in the literature in individuals affected with KCNV2-related conditions. ClinVar contains an entry for this variant (Variation ID: 2073315). Invitae Evidence Modeling of protein sequence and biophysical properties (such as structural, functional, and spatial information, amino acid conservation, physicochemical variation, residue mobility, and thermodynamic stability) indicates that this missense variant is expected to disrupt KCNV2 protein function with a positive predictive value of 95%. In summary, the available evidence is currently insufficient to determine the role of this variant in disease. Therefore, it has been classified as a Variant of Uncertain Significance.